The following is an entry in ClinVar:

ClinVar aggregate classification (germline): Conflicting classifications of pathogenicity. Review status: criteria provided, conflicting classifications (1 of 4 stars). 11 submissions from 11 submitters: Uncertain significance (1); Benign (3); Likely benign (7). Last evaluated 2026-02-03.

Conditions:
DMD-related disorder. Also called: DMD-related condition.
Cardiovascular phenotype. Identifiers: MedGen CN230736.
Primary familial hypertrophic cardiomyopathy (HCM). Identifiers: Orphanet 99739, MedGen C0949658, MeSH D024741, MONDO:0024573. Inheritance: Various modes of inheritance.
Duchenne muscular dystrophy (DMD). Also called: MUSCULAR DYSTROPHY, PSEUDOHYPERTROPHIC PROGRESSIVE, DUCHENNE TYPE; Duchenne Muscular Dystrophy (DMD). Identifiers: Orphanet 98896, MedGen C0013264, MONDO:0010679, OMIM 310200.

Allele frequency attached by ClinVar (database versions not stated): gnomAD 0.00014 and 0.00015; TOPMed 0.00016; ExAC 0.00017; ESP Exome Variant Server 0.00019; gnomAD exomes 0.00022 and 0.00031; 1000 Genomes Project 0.00053; 1000 Genomes Project 30x 0.00062.
gnomAD v4.1: 350 of 1,208,985 alleles (0.029%); highest among the groups gnomAD compares: Non-Finnish European, 0.037%; no homozygotes.

Submissions (11):

Labcorp Genetics (formerly Invitae), Labcorp
Classification: Likely benign for Duchenne muscular dystrophy. Last evaluated: 2026-02-03. Review status: criteria provided, single submitter. Criteria: Invitae Variant Classification Sherloc (09022015). Collection method: clinical testing. Allele origin: germline.

Women's Health and Genetics/Laboratory Corporation of America, LabCorp
Classification: Likely benign. Last evaluated: 2025-06-09. Review status: criteria provided, single submitter. Criteria: LabCorp Variant Classification Summary - May 2015. Collection method: clinical testing. Allele origin: germline.
Comment: Variant summary: DMD c.5723A>T (p.Asp1908Val) results in a non-conservative amino acid change in the encoded protein sequence. Algorithms developed to predict the effect of missense changes on protein structure and function are either unavailable or do not agree on the potential impact of this missense change. The variant allele was found at a frequency of 0.00022 in 183039 control chromosomes, predominantly at a frequency of 0.0004 within the Non-Finnish European subpopulation in the gnomAD database. The observed variant frequency within Non-Finnish European control individuals in the gnomAD database is approximately 36 fold of the estimated maximal expected allele frequency for a pathogenic variant in DMD causing Dystrophinopathies phenotype (1.1e-05). c.5723A>T has been observed in an individual(s) affected with Duchenne Muscular Dystrophy (Mendell_2001). This report does not provide unequivocal conclusions about association of the variant with Dystrophinopathies. To our knowledge, no experimental evidence demonstrating an impact on protein function has been reported. The following publication has been ascertained in the context of this evaluation (PMID: 11524473). ClinVar contains an entry for this variant (Variation ID: 197414). Based on the evidence outlined above, the variant was classified as likely benign.

Molecular Diagnostic Laboratory for Inherited Cardiovascular Disease, Montreal Heart Institute
Classification: Likely benign. Last evaluated: 2025-04-09. Review status: criteria provided, single submitter. Criteria: ACMG Guidelines, 2015. Collection method: clinical testing. Allele origin: germline. Affected: no.
Comment: BS1;BP1

Blueprint Genetics
Classification: Benign. Last evaluated: 2024-11-23. Review status: criteria provided, single submitter. Criteria: ACMG Guidelines, 2015. Collection method: clinical testing. Allele origin: germline.

PreventionGenetics, part of Exact Sciences
Classification: Likely benign for DMD-related condition. Last evaluated: 2024-10-10. Review status: criteria provided, single submitter. Criteria: ACMG Guidelines, 2015. Collection method: clinical testing. Allele origin: germline.
Comment: This variant is classified as likely benign based on ACMG/AMP sequence variant interpretation guidelines (Richards et al. 2015 PMID: 25741868, with internal and published modifications).

CeGaT Center for Human Genetics Tuebingen
Classification: Likely benign. Last evaluated: 2023-02-01. Review status: criteria provided, single submitter. Criteria: CeGaT Center For Human Genetics Tuebingen Variant Classification Criteria Version 2. Collection method: clinical testing. Allele origin: germline. Affected: yes. Observed: 2 variant alleles.
Comment: DMD: BP4, BS2

GeneDx
Classification: Benign. Last evaluated: 2020-02-18. Review status: criteria provided, single submitter. Criteria: GeneDx Variant Classification Process June 2021. Collection method: clinical testing. Allele origin: germline. Affected: yes.

Ambry Genetics
Classification: Benign for Cardiovascular phenotype. Last evaluated: 2020-01-10. Review status: criteria provided, single submitter. Criteria: Ambry Variant Classification Scheme 2023. Collection method: clinical testing. Allele origin: germline.

Laboratory for Molecular Medicine, Mass General Brigham Personalized Medicine
Classification: Likely benign. Last evaluated: 2019-09-13. Review status: criteria provided, single submitter. Criteria: LMM Criteria. Collection method: clinical testing. Allele origin: germline. Observed: 1 variant allele.
Comment: The p.Asp1908Val variant in DMD is classified as likely benign because it has been identified in 0.04% (36/92380) of European chromosomes and 22 hemizgotes by gnomAD. ACMG/AMP Criteria applied: BS1.

Klaassen Lab, Charite University Medicine Berlin
Classification: Uncertain significance for Primary familial hypertrophic cardiomyopathy. Last evaluated: 2019-07-03. Review status: criteria provided, single submitter. Criteria: ACMG Guidelines, 2015. Collection method: research. Allele origin: germline. Affected: yes.

Eurofins Ntd Llc (ga)
Classification: Likely benign. Last evaluated: 2015-02-23. Review status: criteria provided, single submitter. Criteria: EGL Classification Definitions 2015. Collection method: clinical testing. Allele origin: germline. Observed: 1 variant allele, 1 hemizygote.

Literature cited by the submitters: PubMed 11524473 (cited by Women's Health and Genetics/Laboratory Corporation of America, LabCorp); PubMed 31333075 (cited by Klaassen Lab, Charite University Medicine Berlin); PubMed 31568572 (cited by Klaassen Lab, Charite University Medicine Berlin).

NM_004006.3(DMD):c.5723A>T (p.Asp1908Val)

Gene: DMD (dystrophin; minus strand). Cytogenetic location: Xp21.1.
Variant type: single nucleotide variant.
Coding change: c.5723A>T on transcript NM_004006.3 (MANE Select); coding-DNA position 5723, A replaced by T.
Protein change: p.Asp1908Val; replaces aspartic acid 1908 with valine.
Molecular consequence: missense variant.
Genome position (GRCh38, 1-based): chrX:32,343,150, T>A on the plus strand (A>T on the coding strand, the complement: DMD is on the minus strand). VCF-style: chrX-32343150-T-A. GRCh37 (hg19) VCF-style: chrX-32361267-T-A.
Other names: c.5699A>T, p.Asp1900Val (NM_000109.4); c.5711A>T, p.Asp1904Val (NM_004009.3); c.5354A>T, p.Asp1785Val (NM_004010.3); c.1700A>T, p.Asp567Val (NM_004011.4); c.1691A>T, p.Asp564Val (NM_004012.4); short protein forms D1908V, D1900V, D1904V, D567V, D1785V, D564V.
Identifiers: ClinVar variation 197414 (VCV000197414.65), dbSNP rs145266970, ClinGen allele CA202875.